The following is an entry in ClinVar:

NM_000187.4(HGD):c.674G>T (p.Arg225Leu)

Gene: HGD (homogentisate 1,2-dioxygenase; minus strand). Cytogenetic location: 3q13.33.
Variant type: single nucleotide variant.
Coding change: c.674G>T on transcript NM_000187.4 (MANE Select); coding-DNA position 674, G replaced by T.
Protein change: p.Arg225Leu; replaces arginine 225 with leucine.
Molecular consequence: missense variant.
Genome position (GRCh38, 1-based): chr3:120,644,419, C>A on the plus strand (G>T on the coding strand, the complement: HGD is on the minus strand). VCF-style: chr3-120644419-C-A. GRCh37 (hg19) VCF-style: chr3-120363266-C-A.
Other names: short protein forms R225L.
Identifiers: ClinVar variation 2627696 (VCV002627696.1), dbSNP rs562853291, ClinGen allele CA354075492.
Genomic context (GRCh38, chr3:120,644,419, plus strand): 5'-ACCGTGTAACCACCTGGTACTTGGCGATCCTCATACCAGGCAATGGGTATCAAGAAATCA[C>A]GAGGATTGGCCAAGCCATTGGCCCCTAGAAAACAGTAACCCAAAAGTCTTTTAGAAACTT-3'
Protein context (NP_000178.2, residues 215-235): PIGANGLANP[Arg225Leu]DFLIPIAWYE

ClinVar aggregate classification (germline): Pathogenic (0 of 4 stars; one submission).

Conditions:
Alkaptonuria (AKU). Also called: Alkaptonuric ochronosis; Homogentisic acidura; Alcaptonuria; HOMOGENTISIC ACID OXIDASE DEFICIENCY. Identifiers: Orphanet 56, MedGen C0002066, MONDO:0008753, OMIM 203500.

Allele frequency attached by ClinVar (database versions not stated): TOPMed below 0.00001.
gnomAD v4.1: 1 of 1,614,090 alleles (0.000062%); highest among the groups gnomAD compares: Non-Finnish European, 0.000085%; no homozygotes.

Submission:

Department Of Human Genetics, Institute Of Clinical And Translational Research, Biomedical Research Center, Slovak Academy Of Sciences
Classification: Pathogenic for Alkaptonuria. Review status: no assertion criteria provided. Collection method: research. Allele origin: germline. Inheritance: Autosomal recessive inheritance. Affected: yes. Observed: 2 variant alleles.
Comment: The variant was originally described in AKU patient in PMID:12501223. It has been submitted to the HGD gene mutation database (DB-ID: AKU_00072).

Literature cited by the submitters: PubMed 12501223.